The following is an entry in ClinVar:

NM_018474.6(KIZ):c.227G>A (p.Arg76Gln)

Genes: KIZ (kizuna centrosomal protein; plus strand), LOC130065509 (ATAC-STARR-seq lymphoblastoid active region 17619; plus strand). Cytogenetic location: 20p11.23.
Variant type: single nucleotide variant.
Coding change: c.227G>A on transcript NM_018474.6 (MANE Select); coding-DNA position 227, G replaced by A.
Protein change: p.Arg76Gln; replaces arginine 76 with glutamine.
Molecular consequence: missense variant. On other transcripts: 5 prime UTR variant (1), intron variant (4).
Genome position (GRCh38, 1-based): chr20:21,136,464, G>A. VCF-style: chr20-21136464-G-A. GRCh37 (hg19) VCF-style: chr20-21117105-G-A.
Other names: c.227G>A (NM_018474.4); c.227G>A, p.Arg76Gln (NM_001352434.2); c.-160G>A (NM_001352436.2); c.169-9101G>A (NM_001276389.2); c.6+4305G>A (NM_001163022.3, NM_001352435.2, NM_001163023.3); short protein forms R76Q.
Identifiers: ClinVar variation 1974801 (VCV001974801.7), dbSNP rs982373968, ClinGen allele CA312976886.

ClinVar aggregate classification (germline): Uncertain significance. Review status: criteria provided, multiple submitters, no conflicts (2 of 4 stars). 2 submissions from 2 submitters: Uncertain significance (2). Last evaluated 2023-06-21.

Allele frequency attached by ClinVar (database versions not stated): TOPMed 0.00001.
gnomAD v4.1: 7 of 1,588,862 alleles (0.00044%); highest among the groups gnomAD compares: Middle Eastern, 0.017%; no homozygotes.

Submissions (2):

Ambry Genetics
Classification: Uncertain significance. Last evaluated: 2023-06-21. Review status: criteria provided, single submitter. Criteria: Ambry Variant Classification Scheme 2023. Collection method: clinical testing. Allele origin: germline.

Labcorp Genetics (formerly Invitae), Labcorp
Classification: Uncertain significance. Last evaluated: 2022-03-12. Review status: criteria provided, single submitter. Criteria: Invitae Variant Classification Sherloc (09022015). Collection method: clinical testing. Allele origin: germline.
Comment: This sequence change replaces arginine, which is basic and polar, with glutamine, which is neutral and polar, at codon 76 of the KIZ protein (p.Arg76Gln). In summary, the available evidence is currently insufficient to determine the role of this variant in disease. Therefore, it has been classified as a Variant of Uncertain Significance. Algorithms developed to predict the effect of sequence changes on RNA splicing suggest that this variant may disrupt the consensus splice site. This variant has not been reported in the literature in individuals affected with KIZ-related conditions. The frequency data for this variant in the population databases is considered unreliable, as metrics indicate poor data quality at this position in the gnomAD database.